The following is an entry in ClinVar:

ClinVar aggregate classification (germline): Likely benign (1 of 4 stars; one submission).

Allele frequency attached by ClinVar (database versions not stated): 1000 Genomes Project 0.00160; 1000 Genomes Project 30x 0.00172; TOPMed 0.00249; gnomAD 0.00304; ESP Exome Variant Server 0.00315; gnomAD exomes 0.00319; ExAC 0.00332.
gnomAD v4.1: 5,091 of 1,613,452 alleles (0.32%); highest among the groups gnomAD compares: Non-Finnish European, 0.37%; 12 homozygotes.

Submission:

CeGaT Center for Human Genetics Tuebingen
Classification: Likely benign. Last evaluated: 2023-11-01. Review status: criteria provided, single submitter. Criteria: CeGaT Center For Human Genetics Tuebingen Variant Classification Criteria Version 2. Collection method: clinical testing. Allele origin: germline. Affected: yes. Observed: 1 variant allele.
Comment: CDC7: BP4

NM_003503.4(CDC7):c.624A>G (p.Ile208Met)

Gene: CDC7 (cell division cycle 7; plus strand). Cytogenetic location: 1p22.1.
Variant type: single nucleotide variant.
Coding change: c.624A>G on transcript NM_003503.4 (MANE Select); coding-DNA position 624, A replaced by G.
Protein change: p.Ile208Met; replaces isoleucine 208 with methionine.
Molecular consequence: missense variant.
Genome position (GRCh38, 1-based): chr1:91,513,109, A>G. VCF-style: chr1-91513109-A-G. GRCh37 (hg19) VCF-style: chr1-91978666-A-G.
Other names: c.624A>G, p.Ile208Met (NM_001134419.2, NM_001134420.2); short protein forms I208M.
Identifiers: ClinVar variation 2672339 (VCV002672339.23), dbSNP rs34979509, ClinGen allele CA946818.